The following is an entry in ClinVar:

ClinVar aggregate classification (germline): Likely benign. Review status: criteria provided, multiple submitters, no conflicts (2 of 4 stars). 3 submissions from 3 submitters: Likely benign (2). 1 of the submissions does not count toward it. Last evaluated 2023-01-01.

Conditions:
EXOC7-related disorder. Also called: EXOC7-related condition.
Inborn genetic diseases. Identifiers: MedGen C0950123, MeSH D030342.

Allele frequency attached by ClinVar (database versions not stated): 1000 Genomes Project 30x 0.00031; ExAC 0.00064; TOPMed 0.00144; gnomAD 0.00184; gnomAD exomes 0.00247.
gnomAD v4.1: 3,649 of 1,550,864 alleles (0.24%); highest among the groups gnomAD compares: Non-Finnish European, 0.28%; 6 homozygotes.

Submissions (3):

CeGaT Center for Human Genetics Tuebingen
Classification: Likely benign. Last evaluated: 2023-01-01. Review status: criteria provided, single submitter. Criteria: CeGaT Center For Human Genetics Tuebingen Variant Classification Criteria Version 2. Collection method: clinical testing. Allele origin: germline. Affected: yes. Observed: 1 variant allele.
Comment: EXOC7: BP4

Ambry Genetics
Classification: Likely benign for Inborn genetic diseases. Last evaluated: 2022-10-17. Review status: criteria provided, single submitter. Criteria: Ambry Variant Classification Scheme 2023. Collection method: clinical testing. Allele origin: germline.

PreventionGenetics, part of Exact Sciences
Classification: Likely benign for EXOC7-related condition. Last evaluated: 2022-12-21. Review status: no assertion criteria provided. Collection method: clinical testing. Allele origin: germline. Not counted in ClinVar's aggregate classification.
Comment: This variant is classified as likely benign based on ACMG/AMP sequence variant interpretation guidelines (Richards et al. 2015 PMID: 25741868, with internal and published modifications).

NM_001013839.4(EXOC7):c.901+656A>G

Gene: EXOC7 (exocyst complex component 7; minus strand). Cytogenetic location: 17q25.1.
Variant type: single nucleotide variant.
Coding change: c.901+656A>G on transcript NM_001013839.4 (MANE Select); 656 bases into the intron after coding-DNA position 901, A replaced by G.
Molecular consequence: intron variant.
Genome position (GRCh38, 1-based): chr17:76,090,487, T>C on the plus strand (A>G on the coding strand, the complement: EXOC7 is on the minus strand). VCF-style: chr17-76090487-T-C. GRCh37 (hg19) VCF-style: chr17-74086568-T-C.
Other names: c.809-1167A>G (NM_015219.5, NM_001375975.1); c.809-90A>G (NM_001145298.4); c.901+656A>G (NM_001375974.1); c.902-90A>G (NM_001145299.4, NM_001375976.1); c.902-6A>G (NM_001145297.4, NM_001145297.3); c.778+656A>G (NM_001282313.2).
Identifiers: ClinVar variation 2222676 (VCV002222676.27), dbSNP rs185136090, ClinGen allele CA8781492.